The following is an entry in ClinVar:

NM_001127222.2(CACNA1A):c.6653_6661dup (p.Pro2220_Pro2221insHisHisPro)

Gene: CACNA1A (calcium voltage-gated channel subunit alpha1 A; minus strand). Cytogenetic location: 19p13.13.
Variant type: Duplication.
Coding change: c.6653_6661dup on transcript NM_001127222.2 (MANE Select); coding-DNA positions 6653 to 6661, 9 bases duplicated (ACCATCCCC; older notation c.6653_6661dupACCATCCCC).
Protein change: p.Pro2220_Pro2221insHisHisPro.
Molecular consequence: inframe indel (on NM_001127221.1).
Genome position (GRCh38, 1-based): chr19:13,208,875-13,208,883, GGGGATGGT duplicated on the plus strand (ACCATCCCC on the coding strand, the reverse complement: CACNA1A is on the minus strand); duplicating any 9 consecutive bases within chr19:13,208,875-13,208,885 gives the same sequence; the c. name uses the placement nearest the transcript's 3' end. VCF-style (leftmost placement, unchanged base first): chr19-13208874-G-GGGGGATGGT. GRCh37 (hg19) VCF-style: chr19-13319688-G-GGGGGATGGT.
Other names: c.6671_6679dup, p.Pro2226_Pro2227insHisHisPro (NM_000068.4, NM_023035.3); c.6656_6664dup, p.Pro2221_Pro2222insHisHisPro (NM_001127221.2); c.6662_6670dup, p.Pro2223_Pro2224insHisHisPro (NM_001174080.2); c.6656_6664dup (NM_001127221.1).
Identifiers: ClinVar variation 3774649 (VCV003774649.1).
Genomic context (GRCh38, chr19:13,208,874, plus strand): 5'-CGAGCCCGTGCCCGGCCGTGGTCCGGCCGTTCCTGGGCATAGCGGTCCTTGTCGGGGGGC[G>GGGGGATGGT]GGGGATGGTGGTGGTGGTGGTGGTGGTGGTGGTGCTGTCGATGCTTCCGATCCTTGGGCC-3'

ClinVar aggregate classification (germline): Uncertain significance (1 of 4 stars; one submission).

Submission:

GeneDx
Classification: Uncertain significance. Last evaluated: 2024-09-30. Review status: criteria provided, single submitter. Criteria: GeneDx Variant Classification Process June 2021. Collection method: clinical testing. Allele origin: germline. Affected: yes.
Comment: In-frame duplication of 3 amino acid(s) in a non-repeat region; Not observed at significant frequency in large population cohorts (gnomAD); Has not been previously published as pathogenic or benign to our knowledge